The following is an entry in ClinVar:

NM_000512.5(GALNS):c.1498G>T (p.Gly500Cys)

Gene: GALNS (galactosamine (N-acetyl)-6-sulfatase; minus strand). Cytogenetic location: 16q24.3.
Variant type: single nucleotide variant.
Coding change: c.1498G>T on transcript NM_000512.5 (MANE Select); coding-DNA position 1498, G replaced by T.
Protein change: p.Gly500Cys; replaces glycine 500 with cysteine.
Molecular consequence: missense variant.
Genome position (GRCh38, 1-based): chr16:88,814,510, C>A on the plus strand (G>T on the coding strand, the complement: GALNS is on the minus strand). VCF-style: chr16-88814510-C-A. GRCh37 (hg19) VCF-style: chr16-88880918-C-A.
Other names: c.943G>T, p.Gly315Cys (NM_001323543.2); c.1516G>T, p.Gly506Cys (NM_001323544.2); short protein forms G315C, G500C, G506C.
Identifiers: ClinVar variation 1048342 (VCV001048342.8), dbSNP rs1303492021, ClinGen allele CA397092656.

ClinVar aggregate classification (germline): Conflicting classifications of pathogenicity. Review status: criteria provided, conflicting classifications (1 of 4 stars). 3 submissions from 3 submitters: Likely pathogenic (2); Uncertain significance (1). Last evaluated 2025-07-31.

Conditions:
Morquio syndrome. Also called: Mucopolysaccharidosis, Type IV; MPS IV; Mucopolysaccharidosis type 4; Eccentrochondrodysplasia. Identifiers: Orphanet 582, MedGen C0026707, MONDO:0018938.
Mucopolysaccharidosis, MPS-IV-A (MPS4A). Also called: Mucopolysaccharidosis type IV A; Mucopolysaccharidosis Type IVA; Morquio syndrome A, mild; MORQUIO SYNDROME A; MPS IVA; mucopolysaccharidosis type 4A. Identifiers: Orphanet 309297, Orphanet 582, MedGen C0086651, MONDO:0009659, OMIM 253000.

Submissions (3):

Women's Health and Genetics/Laboratory Corporation of America, LabCorp
Classification: Likely pathogenic for Morquio syndrome. Last evaluated: 2025-07-31. Review status: criteria provided, single submitter. Criteria: LabCorp Variant Classification Summary - May 2015. Collection method: clinical testing. Allele origin: germline.
Comment: Variant summary: GALNS c.1498G>T (p.Gly500Cys) results in a non-conservative amino acid change in the encoded protein sequence. Algorithms developed to predict the effect of missense changes on protein structure and function all suggest that this variant is likely to be disruptive. The frequency data for this variant in gnomAD is considered unreliable, as metrics indicate poor data quality at this position. c.1498G>T has been observed in multiple presumed compound heterozygous individual(s) affected with Mucopolysaccharidosis Type IVA (Morquio Syndrome A) also known as GALNS-deficiency (example, Labcorp Genetics (formerly Invitae), Xie_2019, Yi_2022, Lv_2021, Zenetti_2021). These data indicate that the variant is likely to be associated with disease. To our knowledge, no experimental evidence demonstrating an impact on protein function has been reported. The following publications have been ascertained in the context of this evaluation (PMID: 34557487, 30458289, 35212421, 34387910). ClinVar contains an entry for this variant (Variation ID: 1048342). Based on the evidence outlined above, the variant was classified as likely pathogenic.

Labcorp Genetics (formerly Invitae), Labcorp
Classification: Likely pathogenic for Mucopolysaccharidosis, MPS-IV-A. Last evaluated: 2025-02-19. Review status: criteria provided, single submitter. Criteria: Invitae Variant Classification Sherloc (09022015). Collection method: clinical testing. Allele origin: germline.
Comment: This sequence change replaces glycine, which is neutral and non-polar, with cysteine, which is neutral and slightly polar, at codon 500 of the GALNS protein (p.Gly500Cys). This variant is not present in population databases (gnomAD no frequency). This missense change has been observed in individual(s) with clinical features of GALNS-related conditions (PMID: 30458289, 34387910, 35212421; internal data). ClinVar contains an entry for this variant (Variation ID: 1048342). Invitae Evidence Modeling of protein sequence and biophysical properties (such as structural, functional, and spatial information, amino acid conservation, physicochemical variation, residue mobility, and thermodynamic stability) has been performed for this missense variant. However, the output from this modeling did not meet the statistical confidence thresholds required to predict the impact of this variant on GALNS protein function. This variant disrupts the p.Gly500 amino acid residue in GALNS. Other variant(s) that disrupt this residue have been observed in individuals with GALNS-related conditions (PMID: 24726177; internal data), which suggests that this may be a clinically significant amino acid residue. In summary, the currently available evidence indicates that the variant is pathogenic, but additional data are needed to prove that conclusively. Therefore, this variant has been classified as Likely Pathogenic.

Laboratory of Diagnosis and Therapy of Lysosomal Disorders, University of Padova
Classification: Uncertain significance for Mucopolysaccharidosis, MPS-IV-A. Last evaluated: 2021-02-01. Review status: criteria provided, single submitter. Criteria: ACMG Guidelines, 2015. Collection method: research. Allele origin: germline. Affected: yes.
Comment: Absent from gnomAD v2.1.1 (PM2_moderate); multiple lines of computational evidence support a deleterious effect on the gene (PP3_supporting)

Literature cited by the submitters: PubMed 30458289 (cited by 3 submitters); PubMed 34387910 (cited by 3 submitters); PubMed 35212421 (cited by Women's Health and Genetics/Laboratory Corporation of America, LabCorp and Labcorp Genetics (formerly Invitae), Labcorp); PubMed 34557487 (cited by Women's Health and Genetics/Laboratory Corporation of America, LabCorp); PubMed 24726177 (cited by Labcorp Genetics (formerly Invitae), Labcorp).